The following is an entry in ClinVar:

ClinVar aggregate classification (germline): Uncertain significance (1 of 4 stars; one submission).

Conditions:
Holoprosencephaly 3 (HPE3). Identifiers: Orphanet 2162, MedGen C1840529, MONDO:0007733, OMIM 142945.

Allele frequency attached by ClinVar (database versions not stated): gnomAD 0.00003; TOPMed 0.00006.
gnomAD v4.1: 5 of 152,218 alleles (0.0033%); highest among the groups gnomAD compares: Non-Finnish European, 0.0044%; no homozygotes.

Submission:

Labcorp Genetics (formerly Invitae), Labcorp
Classification: Uncertain significance for Holoprosencephaly 3. Last evaluated: 2025-12-15. Review status: criteria provided, single submitter. Criteria: Invitae Variant Classification Sherloc (09022015). Collection method: clinical testing. Allele origin: germline.
Comment: This variant occurs in a non-coding region of the SHH gene. It does not change the encoded amino acid sequence of the SHH protein. This variant is not present in population databases (gnomAD no frequency). This variant has not been reported in the literature in individuals affected with SHH-related conditions. Experimental studies and prediction algorithms are not available or were not evaluated, and the effect of this variant on mRNA splicing is currently unknown. In summary, the available evidence is currently insufficient to determine the role of this variant in disease. Therefore, it has been classified as a Variant of Uncertain Significance.

NC_000007.14:g.156763955T>C

Genes: LMBR1 (limb development membrane protein 1; minus strand), SHH (sonic hedgehog signaling molecule; minus strand). Cytogenetic location: 7q36.3.
Variant type: single nucleotide variant.
Molecular consequence: intron variant (on NM_022458.4).
Genome position: GRCh38 VCF-style: chr7-156763955-T-C. GRCh37 (hg19) VCF-style: chr7-156556649-T-C.
Other names: c.361-160A>G (NM_001363412.2); c.145-160A>G (NM_001350954.2); c.424-160A>G (NM_001363410.2, NM_022458.4, NM_001363409.2 and 1 more transcripts); c.-33-160A>G (NM_001350958.2, NM_001350956.2, NM_001350955.2 and 1 more transcripts); c.55-160A>G (NM_001350957.2, NM_001363411.2).
Identifiers: ClinVar variation 2874156 (VCV002874156.3), dbSNP rs921837855, ClinGen allele CA169820340.